The following is an entry in ClinVar:

ClinVar aggregate classification (germline): Uncertain significance (1 of 4 stars; one submission).

Conditions:
Oculofaciocardiodental syndrome (MCOPS2). Identifiers: Orphanet 2712, MedGen C1846265, MONDO:0010261, OMIM 300166.

Allele frequency attached by ClinVar (database versions not stated): ExAC 0.00002; gnomAD exomes 0.00003; gnomAD 0.00006 and 0.00007; ESP Exome Variant Server 0.00009; TOPMed 0.00012.
gnomAD v4.1: 70 of 1,210,430 alleles (0.0058%); highest among the groups gnomAD compares: Non-Finnish European, 0.0064%; no homozygotes.

Submission:

Labcorp Genetics (formerly Invitae), Labcorp
Classification: Uncertain significance for Oculofaciocardiodental syndrome. Last evaluated: 2025-01-23. Review status: criteria provided, single submitter. Criteria: Invitae Variant Classification Sherloc (09022015). Collection method: clinical testing. Allele origin: germline.
Comment: This sequence change replaces serine, which is neutral and polar, with leucine, which is neutral and non-polar, at codon 897 of the BCOR protein (p.Ser897Leu). This variant is present in population databases (rs147251146, gnomAD 0.02%). This variant has not been reported in the literature in individuals affected with BCOR-related conditions. ClinVar contains an entry for this variant (Variation ID: 1059417). An algorithm developed to predict the effect of missense changes on protein structure and function (PolyPhen-2) suggests that this variant is likely to be tolerated. In summary, the available evidence is currently insufficient to determine the role of this variant in disease. Therefore, it has been classified as a Variant of Uncertain Significance.

NM_001123385.2(BCOR):c.2690C>T (p.Ser897Leu)

Gene: BCOR (BCL6 corepressor; minus strand). Cytogenetic location: Xp11.4.
Variant type: single nucleotide variant.
Coding change: c.2690C>T on transcript NM_001123385.2 (MANE Select); coding-DNA position 2690, C replaced by T.
Protein change: p.Ser897Leu; replaces serine 897 with leucine.
Molecular consequence: missense variant.
Genome position (GRCh38, 1-based): chrX:40,072,656, G>A on the plus strand (C>T on the coding strand, the complement: BCOR is on the minus strand). VCF-style: chrX-40072656-G-A. GRCh37 (hg19) VCF-style: chrX-39931909-G-A.
Other names: c.2690C>T, p.Ser897Leu (NM_001123383.2, NM_001123384.2, NM_017745.6); short protein forms S897L.
Identifiers: ClinVar variation 1059417 (VCV001059417.9), dbSNP rs147251146, ClinGen allele CA10386755.